The following is an entry in ClinVar:

NM_020312.4(COQ9):c.5C>T (p.Ala2Val)

Genes: COQ9 (coenzyme Q9; plus strand), LOC112469007 (Sharpr-MPRA regulatory region 5957; plus strand). Cytogenetic location: 16q21.
Variant type: single nucleotide variant.
Coding change: c.5C>T on transcript NM_020312.4 (MANE Select); coding-DNA position 5, C replaced by T.
Protein change: p.Ala2Val; replaces alanine 2 with valine.
Molecular consequence: missense variant.
Genome position (GRCh38, 1-based): chr16:57,447,510, C>T. VCF-style: chr16-57447510-C-T. GRCh37 (hg19) VCF-style: chr16-57481422-C-T.
Other names: short protein forms A2V.
Identifiers: ClinVar variation 1465844 (VCV001465844.6), dbSNP rs2030147526, ClinGen allele CA396026351.

ClinVar aggregate classification (germline): Uncertain significance (1 of 4 stars; one submission).

gnomAD v4.1: 11 of 1,301,368 alleles (0.00085%); highest among the groups gnomAD compares: South Asian, 0.0026%; no homozygotes.

Submission:

Labcorp Genetics (formerly Invitae), Labcorp
Classification: Uncertain significance. Last evaluated: 2024-10-29. Review status: criteria provided, single submitter. Criteria: Invitae Variant Classification Sherloc (09022015). Collection method: clinical testing. Allele origin: germline.
Comment: This sequence change replaces alanine, which is neutral and non-polar, with valine, which is neutral and non-polar, at codon 2 of the COQ9 protein (p.Ala2Val). This variant is not present in population databases (gnomAD no frequency). This variant has not been reported in the literature in individuals affected with COQ9-related conditions. ClinVar contains an entry for this variant (Variation ID: 1465844). Experimental studies and prediction algorithms are not available or were not evaluated, and the functional significance of this variant is currently unknown. In summary, the available evidence is currently insufficient to determine the role of this variant in disease. Therefore, it has been classified as a Variant of Uncertain Significance.